The following is an entry in ClinVar:

ClinVar aggregate classification (germline): Uncertain significance (1 of 4 stars; one submission).

Conditions:
TMEM67-related disorder. Also called: TMEM67-related disorders; TMEM67-related condition. Identifiers: MedGen CN239423.

gnomAD v4.1: 2 of 1,522,116 alleles (0.00013%); highest among the groups gnomAD compares: Non-Finnish European, 0.00018%; no homozygotes.

Submission:

PreventionGenetics, part of Exact Sciences
Classification: Uncertain significance for TMEM67-related condition. Last evaluated: 2024-12-05. Review status: criteria provided, single submitter. Criteria: ACMG Guidelines, 2015. Collection method: clinical testing. Allele origin: germline.
Comment: The TMEM67 c.2437G>A variant is predicted to result in the amino acid substitution p.Ala813Thr. To our knowledge, this variant has not been reported in the literature or in a large population database (gnomAD), indicating this variant is rare. At this time, the clinical significance of this variant is uncertain due to the absence of conclusive functional and genetic evidence.

NM_153704.6(TMEM67):c.2437G>A (p.Ala813Thr)

Gene: TMEM67 (transmembrane protein 67; plus strand). Cytogenetic location: 8q22.1.
Variant type: single nucleotide variant.
Coding change: c.2437G>A on transcript NM_153704.6 (MANE Select); coding-DNA position 2437, G replaced by A.
Protein change: p.Ala813Thr; replaces alanine 813 with threonine.
Molecular consequence: missense variant. On other transcripts: non-coding transcript variant (1).
Genome position (GRCh38, 1-based): chr8:93,804,876, G>A. VCF-style: chr8-93804876-G-A. GRCh37 (hg19) VCF-style: chr8-94817104-G-A.
Other names: c.2194G>A, p.Ala732Thr (NM_001142301.1); short protein forms A813T, A732T.
Identifiers: ClinVar variation 5000337 (VCV005000337.1).